The following is an entry in ClinVar:

NM_020928.2(ZSWIM6):c.1063A>G (p.Ile355Val)

Gene: ZSWIM6 (zinc finger SWIM-type containing 6; plus strand). Cytogenetic location: 5q12.1.
Variant type: single nucleotide variant.
Coding change: c.1063A>G on transcript NM_020928.2 (MANE Select); coding-DNA position 1063, A replaced by G.
Protein change: p.Ile355Val; replaces isoleucine 355 with valine.
Molecular consequence: missense variant.
Genome position (GRCh38, 1-based): chr5:61,490,815, A>G. VCF-style: chr5-61490815-A-G. GRCh37 (hg19) VCF-style: chr5-60786642-A-G.
Other names: c.1063A>G (NM_020928.1); short protein forms I355V.
Identifiers: ClinVar variation 2748590 (VCV002748590.4), dbSNP rs1202628407, ClinGen allele CA359942129.

ClinVar aggregate classification (germline): Uncertain significance. Review status: criteria provided, multiple submitters, no conflicts (2 of 4 stars). 2 submissions from 2 submitters: Uncertain significance (2). Last evaluated 2025-06-19.

Conditions:
Inborn genetic diseases. Identifiers: MedGen C0950123, MeSH D030342.

Allele frequency attached by ClinVar (database versions not stated): gnomAD exomes below 0.00001; gnomAD 0.00001.
gnomAD v4.1: 4 of 1,547,362 alleles (0.00026%); highest among the groups gnomAD compares: South Asian, 0.0024%; no homozygotes.

Submissions (2):

Ambry Genetics
Classification: Uncertain significance for Inborn genetic diseases. Last evaluated: 2025-06-19. Review status: criteria provided, single submitter. Criteria: Ambry Variant Classification Scheme 2023. Collection method: clinical testing. Allele origin: germline.

Labcorp Genetics (formerly Invitae), Labcorp
Classification: Uncertain significance. Last evaluated: 2023-07-25. Review status: criteria provided, single submitter. Criteria: Invitae Variant Classification Sherloc (09022015). Collection method: clinical testing. Allele origin: germline.
Comment: In summary, the available evidence is currently insufficient to determine the role of this variant in disease. Therefore, it has been classified as a Variant of Uncertain Significance. Advanced modeling of protein sequence and biophysical properties (such as structural, functional, and spatial information, amino acid conservation, physicochemical variation, residue mobility, and thermodynamic stability) performed at Invitae indicates that this missense variant is not expected to disrupt ZSWIM6 protein function. This variant has not been reported in the literature in individuals affected with ZSWIM6-related conditions. This variant is present in population databases (no rsID available, gnomAD 0.004%). This sequence change replaces isoleucine, which is neutral and non-polar, with valine, which is neutral and non-polar, at codon 355 of the ZSWIM6 protein (p.Ile355Val).